The following is an entry in ClinVar:

ClinVar aggregate classification (germline): Uncertain significance (1 of 4 stars; one submission).

Conditions:
Gaucher disease. Also called: Acute cerebral Gaucher disease; Cerebroside lipidosis syndrome; Gaucher splenomegaly; Sphingolipidosis 1; Glucocerebrosidosis; Glucosylceramidase deficiency. Identifiers: Orphanet 355, MedGen C0017205, MONDO:0018150.

gnomAD v4.1: 1 of 1,614,102 alleles (0.000062%); highest among the groups gnomAD compares: African/African-American, 0.0013%; no homozygotes.

Submission:

Illumina Laboratory Services, Illumina
Classification: Uncertain significance for Gaucher disease. Last evaluated: 2024-01-19. Review status: criteria provided, single submitter. Criteria: ISL SNV Classification Criteria 03 February 2026. Collection method: clinical testing. Allele origin: unknown.
Comment: The GBA1 c.1061A>G p.(Asp354Gly) missense variant has not, to our knowledge, been reported in the peer-reviewed literature. This variant is not observed at a significant frequency in version 2.1.1 or version 4.1.1 of the Genome Aggregation Database. Multiple lines of computational evidence suggest the variant may impact the gene or gene product. Based on the available evidence, the c.1061A>G p.(Asp354Gly) variant is classified as a variant of uncertain significance for Gaucher syndrome.

NM_000157.4(GBA1):c.1061A>G (p.Asp354Gly)

Genes: GBA1 (glucosylceramidase beta 1; minus strand), LOC106627981 (GBA recombination region; plus strand). Cytogenetic location: 1q22.
Variant type: single nucleotide variant.
Coding change: c.1061A>G on transcript NM_000157.4 (MANE Select); coding-DNA position 1061, A replaced by G.
Protein change: p.Asp354Gly; replaces aspartic acid 354 with glycine.
Molecular consequence: missense variant.
Genome position (GRCh38, 1-based): chr1:155,236,408, T>C on the plus strand (A>G on the coding strand, the complement: GBA1 is on the minus strand). VCF-style: chr1-155236408-T-C. GRCh37 (hg19) VCF-style: chr1-155206199-T-C.
Other names: c.1061A>G, p.Asp354Gly (NM_001005741.3, NM_001005742.3); c.800A>G, p.Asp267Gly (NM_001171811.2); c.914A>G, p.Asp305Gly (NM_001171812.2); short protein forms D267G, D305G, D354G.
Identifiers: ClinVar variation 4759466 (VCV004759466.1).